The following is an entry in ClinVar:

NM_001353694.2(TIAM1):c.123C>T (p.His41=)

Gene: TIAM1 (TIAM Rac1 associated GEF 1; minus strand). Cytogenetic location: 21q22.11.
Variant type: single nucleotide variant.
Coding change: c.123C>T on transcript NM_001353694.2 (MANE Select); coding-DNA position 123, C replaced by T.
Protein change: p.His41=; no amino-acid change (histidine 41 retained).
Molecular consequence: synonymous variant.
Genome position (GRCh38, 1-based): chr21:31,266,850, G>A on the plus strand (C>T on the coding strand, the complement: TIAM1 is on the minus strand). VCF-style: chr21-31266850-G-A. GRCh37 (hg19) VCF-style: chr21-32639166-G-A.
Other names: c.123C>T, p.His41= (NM_001353686.2, NM_001353687.2, NM_001353688.1 and 6 more transcripts).
Identifiers: ClinVar variation 3033147 (VCV003033147.2), dbSNP rs146369813, ClinGen allele CA9998733.
Genomic context (GRCh38, chr21:31,266,850, plus strand): 5'-GGTGCTGCTGGATCGGGTGCTCACTTCGGAGTTCCTGTGGATCACCTTCCCCGAGGAAGC[G>A]TGCCTGGTCCTCCGCGTCTTGTGCGAGAGGCGCAGGGAGCGGGAAGTGTGCTTGCGCCCC-3'
Protein context (NP_001340623.1, residues 31-51): RLSHKTRRTR[His41=]ASSGKVIHRN

ClinVar aggregate classification (germline): Likely benign (0 of 4 stars; one submission).

Conditions:
TIAM1-related disorder. Also called: TIAM1-related condition.

Allele frequency attached by ClinVar (database versions not stated): gnomAD exomes 0.00017; ExAC 0.00040; gnomAD 0.00124; 1000 Genomes Project 0.00140; 1000 Genomes Project 30x 0.00141; TOPMed 0.00143; ESP Exome Variant Server 0.00177.
gnomAD v4.1: 460 of 1,614,170 alleles (0.028%); highest among the groups gnomAD compares: African/African-American, 0.47%; 1 homozygote.

Submission:

PreventionGenetics, part of Exact Sciences
Classification: Likely benign for TIAM1-related condition. Last evaluated: 2019-06-17. Review status: no assertion criteria provided. Collection method: clinical testing. Allele origin: germline.
Comment: This variant is classified as likely benign based on ACMG/AMP sequence variant interpretation guidelines (Richards et al. 2015 PMID: 25741868, with internal and published modifications).